The following is an entry in ClinVar:

NM_000133.4(F9):c.1338G>C (p.Lys446Asn)

Gene: F9 (coagulation factor IX; plus strand). Cytogenetic location: Xq27.1.
Variant type: single nucleotide variant.
Coding change: c.1338G>C on transcript NM_000133.4 (MANE Select); coding-DNA position 1338, G replaced by C.
Protein change: p.Lys446Asn; replaces lysine 446 with asparagine.
Molecular consequence: missense variant.
Genome position (GRCh38, 1-based): chrX:139,562,023, G>C. VCF-style: chrX-139562023-G-C. GRCh37 (hg19) VCF-style: chrX-138644182-G-C.
Other names: c.1224G>C, p.Lys408Asn (NM_001313913.2); short protein forms K408N, K446N.
Identifiers: ClinVar variation 3391804 (VCV003391804.4).

ClinVar aggregate classification (germline): Conflicting classifications of pathogenicity. Review status: criteria provided, conflicting classifications (1 of 4 stars). 2 submissions from 2 submitters: Likely pathogenic (1); Uncertain significance (1). Last evaluated 2024-11-08.

Conditions:
Hereditary factor IX deficiency disease (HEMB). Also called: F9 DEFICIENCY; FACTOR IX DEFICIENCY; Christmas Disease; PLASMA THROMBOPLASTIN COMPONENT DEFICIENCY; Hemophilia B. Identifiers: Orphanet 98879, MedGen C0008533, MeSH D002836, MONDO:0010604, OMIM 306900.
Thrombophilia, X-linked, due to factor 9 defect. Identifiers: MedGen C2749016, MONDO:0010432, OMIM 300807.

gnomAD v4.1: 1 of 1,210,735 alleles (0.000083%); highest among the groups gnomAD compares: African/African-American, 0.0017%; no homozygotes.

Submissions (2):

DiNA Science
Classification: Likely pathogenic for Hereditary factor IX deficiency disease. Last evaluated: 2024-11-08. Review status: criteria provided, single submitter. Criteria: ACMG Guidelines, 2015. Collection method: clinical testing. Allele origin: unknown. Inheritance: X-linked recessive inheritance. Affected: yes.

Labcorp Genetics (formerly Invitae), Labcorp
Classification: Uncertain significance for Thrombophilia, X-linked, due to factor 9 defect; Hereditary factor IX deficiency disease. Last evaluated: 2024-08-20. Review status: criteria provided, single submitter. Criteria: Invitae Variant Classification Sherloc (09022015). Collection method: clinical testing. Allele origin: germline.
Comment: This sequence change replaces lysine, which is basic and polar, with asparagine, which is neutral and polar, at codon 446 of the F9 protein (p.Lys446Asn). This variant is not present in population databases (gnomAD no frequency). This missense change has been observed in individual(s) with F9-related conditions (PMID: 32155688). Invitae Evidence Modeling of protein sequence and biophysical properties (such as structural, functional, and spatial information, amino acid conservation, physicochemical variation, residue mobility, and thermodynamic stability) indicates that this missense variant is not expected to disrupt F9 protein function with a negative predictive value of 80%. In summary, the available evidence is currently insufficient to determine the role of this variant in disease. Therefore, it has been classified as a Variant of Uncertain Significance.

Literature cited by the submitters: PubMed 32155688 (cited by Labcorp Genetics (formerly Invitae), Labcorp).